The following is an entry in ClinVar:

ClinVar aggregate classification (germline): Pathogenic. Review status: criteria provided, multiple submitters, no conflicts (2 of 4 stars). 2 submissions from 2 submitters: Pathogenic (2). Last evaluated 2024-10-16.

Conditions:
Schimke immuno-osseous dysplasia (SIOD). Also called: Schimke Immunoosseous Dysplasia. Identifiers: Orphanet 1830, MedGen C0877024, MONDO:0009458, OMIM 242900.

Submissions (2):

Natera, Inc.
Classification: Pathogenic for Schimke immuno-osseous dysplasia. Last evaluated: 2024-10-16. Review status: criteria provided, single submitter. Criteria: Natera Variant Classification Schema (03/2026). Collection method: clinical testing. Allele origin: germline.
Comment: The c.2528+1G>A variant in SMARCAL1 is a canonical splice donor site variant predicted to affect pre-mRNA splicing, which may result in an abnormal transcript and altered protein product. This variant is expected to result in nonsense mediated decay, truncation, or a dysfunctional protein product. This variant is rare in the general population with a frequency below the threshold expected for the associated phenotype(s). This variant has been observed in one or more individuals affected with the associated recessive disease, as either homozygous or compound heterozygous with a second variant (PMID: 32393263). Given the available evidence, this variant is classified as Pathogenic.

Labcorp Genetics (formerly Invitae), Labcorp
Classification: Pathogenic for Schimke immuno-osseous dysplasia. Last evaluated: 2022-09-07. Review status: criteria provided, single submitter. Criteria: Invitae Variant Classification Sherloc (09022015). Collection method: clinical testing. Allele origin: germline.
Comment: This sequence change affects a donor splice site in intron 16 of the SMARCAL1 gene. It is expected to disrupt RNA splicing. Variants that disrupt the donor or acceptor splice site typically lead to a loss of protein function (PMID: 16199547), and loss-of-function variants in SMARCAL1 are known to be pathogenic (PMID: 11799392, 20301550). This variant is not present in population databases (gnomAD no frequency). Disruption of this splice site has been observed in individual(s) with Schimke immunoosseous dysplasia (PMID: 32393263). In at least one individual the data is consistent with being in trans (on the opposite chromosome) from a pathogenic variant. Algorithms developed to predict the effect of sequence changes on RNA splicing suggest that this variant may disrupt the consensus splice site. For these reasons, this variant has been classified as Pathogenic.

Literature cited by the submitters: PubMed 32393263 (cited by Natera, Inc. and Labcorp Genetics (formerly Invitae), Labcorp); PubMed 16199547 (cited by Labcorp Genetics (formerly Invitae), Labcorp); PubMed 11799392 (cited by Labcorp Genetics (formerly Invitae), Labcorp); PubMed 20301550 (cited by Labcorp Genetics (formerly Invitae), Labcorp).

NM_014140.4(SMARCAL1):c.2528+1G>A

Gene: SMARCAL1 (SNF2 related chromatin remodeling annealing helicase 1; plus strand). Cytogenetic location: 2q35.
Variant type: single nucleotide variant.
Coding change: c.2528+1G>A on transcript NM_014140.4 (MANE Select); the canonical splice donor site of the intron after coding-DNA position 2528, G replaced by A.
Molecular consequence: splice donor variant.
Genome position (GRCh38, 1-based): chr2:216,477,210, G>A. VCF-style: chr2-216477210-G-A. GRCh37 (hg19) VCF-style: chr2-217341933-G-A.
Other names: c.2528+1G>A (NM_014140.3, NM_001127207.2).
Identifiers: ClinVar variation 1929303 (VCV001929303.6), dbSNP rs1559138957, ClinGen allele CA350504881.